The following is an entry in ClinVar:

ClinVar aggregate classification (germline): Uncertain significance. Review status: criteria provided, multiple submitters, no conflicts (2 of 4 stars). 2 submissions from 2 submitters: Uncertain significance (2). Last evaluated 2024-10-16.

Allele frequency attached by ClinVar (database versions not stated): TOPMed below 0.00001; gnomAD 0.00005; gnomAD exomes 0.00016; ExAC 0.00018; 1000 Genomes Project 0.00020; 1000 Genomes Project 30x 0.00031.

Submissions (2):

Labcorp Genetics (formerly Invitae), Labcorp
Classification: Uncertain significance. Last evaluated: 2024-10-16. Review status: criteria provided, single submitter. Criteria: Invitae Variant Classification Sherloc (09022015). Collection method: clinical testing. Allele origin: germline.
Comment: This sequence change replaces alanine, which is neutral and non-polar, with threonine, which is neutral and polar, at codon 377 of the FCHO1 protein (p.Ala377Thr). This variant is present in population databases (rs541431697, gnomAD 0.1%), including at least one homozygous and/or hemizygous individual. This variant has not been reported in the literature in individuals affected with FCHO1-related conditions. ClinVar contains an entry for this variant (Variation ID: 1427207). An algorithm developed to predict the effect of missense changes on protein structure and function (PolyPhen-2) suggests that this variant is likely to be disruptive. In summary, the available evidence is currently insufficient to determine the role of this variant in disease. Therefore, it has been classified as a Variant of Uncertain Significance.

Ambry Genetics
Classification: Uncertain significance. Last evaluated: 2021-10-12. Review status: criteria provided, single submitter. Criteria: Ambry Variant Classification Scheme 2023. Collection method: clinical testing. Allele origin: germline.

NM_015122.3(FCHO1):c.1129G>A (p.Ala377Thr)

Gene: FCHO1 (FCH and mu domain containing endocytic adaptor 1; plus strand). Cytogenetic location: 19p13.11.
Variant type: single nucleotide variant.
Coding change: c.1129G>A on transcript NM_015122.3 (MANE Select); coding-DNA position 1129, G replaced by A.
Protein change: p.Ala377Thr; replaces alanine 377 with threonine.
Molecular consequence: missense variant. On other transcripts: non-coding transcript variant (36).
Genome position (GRCh38, 1-based): chr19:17,776,108, G>A. VCF-style: chr19-17776108-G-A. GRCh37 (hg19) VCF-style: chr19-17886917-G-A.
Other names: c.1129G>A, p.Ala377Thr (NM_001161357.2, NM_001161358.2, NM_001384370.1 and 25 more transcripts); c.979G>A, p.Ala327Thr (NM_001161359.2, NM_001384384.1, NM_001384385.1 and 3 more transcripts); c.1090G>A, p.Ala364Thr (NM_001384388.1, NM_001384389.1, NM_001384405.1); c.1054G>A, p.Ala352Thr (NM_001384390.1); c.1084G>A, p.Ala362Thr (NM_001384403.1); c.1129G>A (NM_001161357.1); short protein forms A352T, A377T, A364T, A362T, A327T.
Identifiers: ClinVar variation 1427207 (VCV001427207.8), dbSNP rs541431697, ClinGen allele CA9300399.
Genomic context (GRCh38, chr19:17,776,108, plus strand): 5'-TTCTATGTGCACATCAAGCCTGCCCCGGCCCGGGCTCCAGCCTGCAGCCCCGAGGCAGCA[G>A]CGGCACAGCTCAGGGCCACCGCGGGCAGCCTCATCCTTCCTCCTGGCCCAGGGGTGAGGC-3'
Protein context (NP_055937.1, residues 367-387): RAPACSPEAA[Ala377Thr]AQLRATAGSL